The following is an entry in ClinVar:

ClinVar aggregate classification (germline): Likely pathogenic (1 of 4 stars; one submission).

Submission:

Dasa
Classification: Likely pathogenic. Last evaluated: 2025-05-12. Review status: criteria provided, single submitter. Criteria: DASA Assertion Criteria. Collection method: clinical testing. Allele origin: germline.
Comment: NM_006218.4(PIK3CA):c.3207A>G (p.*1069Trpext*4) is a nonsense variant in PIK3CA predicted to introduce a premature termination codon. This variant has been reported in individuals with PIK3CA-related disorders (PMID: 27631024). This variant has been reported as a de novo occurrence in an affected individual (PMID: 27631024). Also, this variant is absent from population databases. Based on the currently available evidence, this variant is classified as likely pathogenic.

Literature cited by the submitters: PubMed 27631024.

NM_006218.4(PIK3CA):c.3207A>G (p.Ter1069Trp)

Gene: PIK3CA (phosphatidylinositol-4,5-bisphosphate 3-kinase catalytic subunit alpha; plus strand). Cytogenetic location: 3q26.32.
Variant type: single nucleotide variant.
Coding change: c.3207A>G on transcript NM_006218.4 (MANE Select); coding-DNA position 3207, A replaced by G.
Protein change: p.Ter1069Trp.
Molecular consequence: stop lost.
Genome position (GRCh38, 1-based): chr3:179,234,364, A>G. VCF-style: chr3-179234364-A-G. GRCh37 (hg19) VCF-style: chr3-178952152-A-G.
Identifiers: ClinVar variation 4885562 (VCV004885562.2).